The following is an entry in ClinVar:

NM_213595.4(ISCU):c.114+183C>T

Gene: ISCU (iron-sulfur cluster assembly enzyme; plus strand). Cytogenetic location: 12q23.3.
Variant type: single nucleotide variant.
Coding change: c.114+183C>T on transcript NM_213595.4 (MANE Select); 183 bases into the intron after coding-DNA position 114, C replaced by T.
Molecular consequence: intron variant.
Genome position (GRCh38, 1-based): chr12:108,562,919, C>T. VCF-style: chr12-108562919-C-T. GRCh37 (hg19) VCF-style: chr12-108956695-C-T.
Other names: c.-58+183C>T (NM_014301.4); c.114+183C>T (NM_001320042.1, NM_001301140.1, NM_001301141.1).
Identifiers: ClinVar variation 679954 (VCV000679954.2), dbSNP rs186093048, ClinGen allele CA243320334.

ClinVar aggregate classification (germline): Likely benign. Review status: criteria provided, multiple submitters, no conflicts (2 of 4 stars). 2 submissions from 2 submitters: Likely benign (2). Last evaluated 2018-06-19.

Allele frequency attached by ClinVar (database versions not stated): 1000 Genomes Project 0.00319; 1000 Genomes Project 30x 0.00344; gnomAD 0.00755 and 0.00789; TOPMed 0.00818.
gnomAD v4.1: 3,357 of 400,282 alleles (0.84%); highest among the groups gnomAD compares: Non-Finnish European, 1.2%; 12 homozygotes.

Submissions (2):

GeneDx
Classification: Likely benign. Last evaluated: 2018-06-19. Review status: criteria provided, single submitter. Criteria: GeneDx Variant Classification (06012015). Collection method: clinical testing. Allele origin: germline. Affected: yes.
Comment: This variant is considered likely benign or benign based on one or more of the following criteria: it is a conservative change, it occurs at a poorly conserved position in the protein, it is predicted to be benign by multiple in silico algorithms, and/or has population frequency not consistent with disease.

Breakthrough Genomics
Classification: Likely benign. Review status: criteria provided, single submitter. Criteria: ACMG Guidelines, 2015. Collection method: not provided. Allele origin: germline. Inheritance: Autosomal recessive inheritance. Affected: yes.